The following is an entry in ClinVar:

ClinVar aggregate classification (germline): Uncertain significance (1 of 4 stars; one submission).

Conditions:
Diffuse cerebral and cerebellar atrophy - intractable seizures - progressive microcephaly syndrome. Also called: Microcephaly, progressive, with seizures and cerebral and cerebellar atrophy. Identifiers: Orphanet 404437, MedGen C4014239, MONDO:0014335, OMIM 615760.

Allele frequency attached by ClinVar (database versions not stated): ESP Exome Variant Server 0.00008.

Submission:

Labcorp Genetics (formerly Invitae), Labcorp
Classification: Uncertain significance for Diffuse cerebral and cerebellar atrophy - intractable seizures - progressive microcephaly syndrome. Last evaluated: 2022-07-12. Review status: criteria provided, single submitter. Criteria: Invitae Variant Classification Sherloc (09022015). Collection method: clinical testing. Allele origin: germline.
Comment: Algorithms developed to predict the effect of sequence changes on RNA splicing suggest that this variant may create or strengthen a splice site. This sequence change replaces arginine, which is basic and polar, with serine, which is neutral and polar, at codon 558 of the QARS protein (p.Arg558Ser). This variant is not present in population databases (gnomAD no frequency). This variant has not been reported in the literature in individuals affected with QARS-related conditions. ClinVar contains an entry for this variant (Variation ID: 1002145). Algorithms developed to predict the effect of missense changes on protein structure and function (SIFT, PolyPhen-2, Align-GVGD) all suggest that this variant is likely to be disruptive. In summary, the available evidence is currently insufficient to determine the role of this variant in disease. Therefore, it has been classified as a Variant of Uncertain Significance.

NM_005051.3(QARS1):c.1672C>A (p.Arg558Ser)

Gene: QARS1 (glutaminyl-tRNA synthetase 1; minus strand). Cytogenetic location: 3p21.31.
Variant type: single nucleotide variant.
Coding change: c.1672C>A on transcript NM_005051.3 (MANE Select); coding-DNA position 1672, C replaced by A.
Protein change: p.Arg558Ser; replaces arginine 558 with serine.
Molecular consequence: missense variant. On other transcripts: non-coding transcript variant (1).
Genome position (GRCh38, 1-based): chr3:49,099,196, G>T on the plus strand (C>A on the coding strand, the complement: QARS1 is on the minus strand). VCF-style: chr3-49099196-G-T. GRCh37 (hg19) VCF-style: chr3-49136629-G-T.
Other names: c.1639C>A, p.Arg547Ser (NM_001272073.2); short protein forms R547S, R558S.
Identifiers: ClinVar variation 1002145 (VCV001002145.5), dbSNP rs150328993, ClinGen allele CA2391677.